The following is an entry in ClinVar:

ClinVar aggregate classification (germline): Pathogenic/Likely pathogenic. Review status: criteria provided, multiple submitters, no conflicts (2 of 4 stars). 3 submissions from 3 submitters: Pathogenic (2); Likely pathogenic (1). Last evaluated 2026-02-24.

Conditions:
Intellectual developmental disorder, autosomal dominant 56. Also called: MENTAL RETARDATION, AUTOSOMAL DOMINANT 56; Intellectual disability, autosomal dominant 56. Identifiers: MedGen C4693389, MONDO:0030922, OMIM 617854.

Submissions (3):

Clinical Genetics Laboratory, Skane University Hospital Lund
Classification: Likely pathogenic for Intellectual developmental disorder, autosomal dominant 56. Last evaluated: 2026-02-24. Review status: criteria provided, single submitter. Criteria: ACMG Guidelines, 2015. Collection method: clinical testing. Allele origin: germline. Affected: yes.
Comment: CLTC (NM_004859.4) c.4691_4692del, p.(Glu1564Valfs*48) involves a deletion of 2 base pairs in exon 30 of 32, resulting in a frameshift, a premature stop codon, and consequently a truncated protein or loss of protein expression from the allele. CLTC c.4691_4692del has not been detected in the general population and is reported as pathogenic in the ClinVar database (Variation ID: 1254197). The variant has been classified as likely pathogenic according to the following ACMG criteria: PVS1 and PM2.

GeneDx
Classification: Pathogenic. Last evaluated: 2025-07-14. Review status: criteria provided, single submitter. Criteria: GeneDx Variant Classification Process June 2021. Collection method: clinical testing. Allele origin: germline. Affected: yes.
Comment: Frameshift variant predicted to result in protein truncation or nonsense mediated decay in a gene for which loss of function is a known mechanism of disease; Not observed at significant frequency in large population cohorts (gnomAD); Has not been previously published as pathogenic or benign to our knowledge

CeGaT Center for Human Genetics Tuebingen
Classification: Pathogenic. Last evaluated: 2024-08-01. Review status: criteria provided, single submitter. Criteria: CeGaT Center For Human Genetics Tuebingen Variant Classification Criteria Version 2. Collection method: clinical testing. Allele origin: germline. Affected: yes. Observed: 1 variant allele.
Comment: CLTC: PVS1, PM2

NM_004859.4(CLTC):c.4691_4692del (p.Glu1564fs)

Gene: CLTC (clathrin heavy chain; plus strand). Cytogenetic location: 17q23.1.
Variant type: Microsatellite.
Coding change: c.4691_4692del on transcript NM_004859.4 (MANE Select); coding-DNA positions 4691 to 4692, 2 bases deleted (AG; older notation c.4691_4692delAG).
Protein change: p.Glu1564fs; shifts the reading frame from glutamic acid 1564.
Molecular consequence: frameshift variant.
Genome position (GRCh38, 1-based): chr17:59,685,672-59,685,673, AG deleted; deleting any 2 consecutive bases within chr17:59,685,668-59,685,673 gives the same sequence; the c. name uses the placement nearest the transcript's 3' end. VCF-style (leftmost placement, unchanged base first): chr17-59685667-AAG-A. GRCh37 (hg19) VCF-style: chr17-57763028-AAG-A.
Other names: c.4703_4704del, p.Glu1568fs (NM_001288653.2); short protein forms E1564fs, E1568fs.
Identifiers: ClinVar variation 1254197 (VCV001254197.20), dbSNP rs2143602282, ClinGen allele CA2580613178.